The following is an entry in ClinVar:

ClinVar aggregate classification (germline): Uncertain significance. Review status: criteria provided, multiple submitters, no conflicts (2 of 4 stars). 2 submissions from 2 submitters: Uncertain significance (2). Last evaluated 2024-04-09.

Allele frequency attached by ClinVar (database versions not stated): TOPMed 0.00005; ExAC 0.00013; 1000 Genomes Project 0.00020; 1000 Genomes Project 30x 0.00031.
gnomAD v4.1: 67 of 1,606,010 alleles (0.0042%); highest among the groups gnomAD compares: Admixed American, 0.066%; no homozygotes.

Submissions (2):

Ambry Genetics
Classification: Uncertain significance. Last evaluated: 2024-04-09. Review status: criteria provided, single submitter. Criteria: Ambry Variant Classification Scheme 2023. Collection method: clinical testing. Allele origin: germline.

Labcorp Genetics (formerly Invitae), Labcorp
Classification: Uncertain significance. Last evaluated: 2022-08-31. Review status: criteria provided, single submitter. Criteria: Invitae Variant Classification Sherloc (09022015). Collection method: clinical testing. Allele origin: germline.
Comment: This sequence change replaces arginine, which is basic and polar, with cysteine, which is neutral and slightly polar, at codon 156 of the SAMD11 protein (p.Arg156Cys). This variant is present in population databases (rs575274130, gnomAD 0.05%). This variant has not been reported in the literature in individuals affected with SAMD11-related conditions. ClinVar contains an entry for this variant (Variation ID: 857919). Algorithms developed to predict the effect of missense changes on protein structure and function (SIFT, PolyPhen-2, Align-GVGD) all suggest that this variant is likely to be tolerated. In summary, the available evidence is currently insufficient to determine the role of this variant in disease. Therefore, it has been classified as a Variant of Uncertain Significance.

NM_001385641.1(SAMD11):c.1003C>T (p.Arg335Cys)

Gene: SAMD11 (sterile alpha motif domain containing 11; plus strand). Cytogenetic location: 1p36.33.
Variant type: single nucleotide variant.
Coding change: c.1003C>T on transcript NM_001385641.1 (MANE Select); coding-DNA position 1003, C replaced by T.
Protein change: p.Arg335Cys; replaces arginine 335 with cysteine.
Molecular consequence: missense variant.
Genome position (GRCh38, 1-based): chr1:939,075, C>T. VCF-style: chr1-939075-C-T. GRCh37 (hg19) VCF-style: chr1-874455-C-T.
Other names: c.1003C>T, p.Arg335Cys (NM_001385640.1); c.466C>T, p.Arg156Cys (NM_152486.4); short protein forms R156C, R335C.
Identifiers: ClinVar variation 857919 (VCV000857919.6), dbSNP rs575274130, ClinGen allele CA502636.